The following is an entry in ClinVar:

ClinVar aggregate classification (germline): Likely benign. Review status: criteria provided, single submitter (1 of 4 stars). 2 submissions from 2 submitters: Likely benign (1). 1 of the submissions does not count toward it. Last evaluated 2025-07-13.

Conditions:
LARGE1-related disorder. Also called: LARGE1-related condition.
Muscular dystrophy-dystroglycanopathy type B6 (MDDGB6). Also called: MUSCULAR DYSTROPHY-DYSTROGLYCANOPATHY (CONGENITAL WITH IMPAIRED INTELLECTUAL DEVELOPMENT), TYPE B, 6; MUSCULAR DYSTROPHY, CONGENITAL, LARGE-RELATED; MUSCULAR DYSTROPHY, CONGENITAL, TYPE 1D. Identifiers: MedGen C1837229, MONDO:0012138, OMIM 608840.

Allele frequency attached by ClinVar (database versions not stated): ESP Exome Variant Server 0.00008.
gnomAD v4.1: 64 of 1,614,152 alleles (0.004%); highest among the groups gnomAD compares: Non-Finnish European, 0.005%; no homozygotes.

Submissions (2):

Labcorp Genetics (formerly Invitae), Labcorp
Classification: Likely benign for Muscular dystrophy-dystroglycanopathy type B6. Last evaluated: 2025-07-13. Review status: criteria provided, single submitter. Criteria: Invitae Variant Classification Sherloc (09022015). Collection method: clinical testing. Allele origin: germline.

PreventionGenetics, part of Exact Sciences
Classification: Likely benign for LARGE1-related condition. Last evaluated: 2022-01-31. Review status: no assertion criteria provided. Collection method: clinical testing. Allele origin: germline. Not counted in ClinVar's aggregate classification.
Comment: This variant is classified as likely benign based on ACMG/AMP sequence variant interpretation guidelines (Richards et al. 2015 PMID: 25741868, with internal and published modifications).

NM_133642.5(LARGE1):c.1656G>A (p.Lys552=)

Gene: LARGE1 (LARGE xylosyl- and glucuronyltransferase 1; minus strand). Cytogenetic location: 22q12.3.
Variant type: single nucleotide variant.
Coding change: c.1656G>A on transcript NM_133642.5 (MANE Select); coding-DNA position 1656, G replaced by A.
Protein change: p.Lys552=; no amino-acid change (lysine 552 retained).
Molecular consequence: synonymous variant.
Genome position (GRCh38, 1-based): chr22:33,304,303, C>T on the plus strand (G>A on the coding strand, the complement: LARGE1 is on the minus strand). VCF-style: chr22-33304303-C-T. GRCh37 (hg19) VCF-style: chr22-33700289-C-T.
Other names: c.1656G>A, p.Lys552= (NM_001362949.2, NM_001362951.2, NM_001362953.2 and 6 more transcripts); c.1500G>A, p.Lys500= (NM_001378629.1); c.1053G>A, p.Lys351= (NM_001378630.1); c.897G>A, p.Lys299= (NM_001378631.1); c.1656G>A (NM_004737.5).
Identifiers: ClinVar variation 1132422 (VCV001132422.14), dbSNP rs138573955, ClinGen allele CA10202691.